The following is an entry in ClinVar:

NM_005902.4(SMAD3):c.372C>G (p.Pro124=)

Gene: SMAD3 (SMAD family member 3; plus strand). Cytogenetic location: 15q22.33.
Variant type: single nucleotide variant.
Coding change: c.372C>G on transcript NM_005902.4 (MANE Select); coding-DNA position 372, C replaced by G.
Protein change: p.Pro124=; no amino-acid change (proline 124 retained).
Molecular consequence: synonymous variant.
Genome position (GRCh38, 1-based): chr15:67,165,060, C>G. VCF-style: chr15-67165060-C-G. GRCh37 (hg19) VCF-style: chr15-67457398-C-G.
Other names: c.57C>G, p.Pro19= (NM_001145102.2, NM_001407015.1, NM_001407016.1); c.240C>G, p.Pro80= (NM_001145103.2); c.372C>G, p.Pro124= (NM_001407011.1, NM_001407012.1, NM_001407013.1); c.225C>G, p.Pro75= (NM_001407014.1).
Identifiers: ClinVar variation 3386008 (VCV003386008.1).
Genomic context (GRCh38, chr15:67,165,060, plus strand): 5'-GGCCATGGAGCTGTGTGAGTTCGCCTTCAATATGAAGAAGGACGAGGTCTGCGTGAATCC[C>G]TACCACTACCAGAGAGTAGAGACACCAGGTATGCTGCCTGGCCTGCCTGTGGGGACAGCA-3'
Protein context (NP_005893.1, residues 114-134): NMKKDEVCVN[Pro124=]YHYQRVETPV

ClinVar aggregate classification (germline): Likely benign (1 of 4 stars; one submission).

Conditions:
Aneurysm-osteoarthritis syndrome. Also called: LOEYS-DIETZ SYNDROME WITH OSTEOARTHRITIS; SMAD3-Related Loeys-Dietz Syndrome; ANEURYSMS-OSTEOARTHRITIS SYNDROME; Loeys-Dietz syndrome, type 1C. Identifiers: Orphanet 284984, MedGen C3151087, MONDO:0013426, OMIM 613795.

gnomAD v4.1: 17 of 1,614,224 alleles (0.0011%); highest among the groups gnomAD compares: Non-Finnish European, 0.0014%; no homozygotes.

Submission:

All of Us Research Program, National Institutes of Health
Classification: Likely benign for Aneurysm-osteoarthritis syndrome. Last evaluated: 2024-07-20. Review status: criteria provided, single submitter. Criteria: ACMG Guidelines, 2015. Collection method: clinical testing. Allele origin: germline. Inheritance: Autosomal dominant inheritance. Observed: 1 variant allele, 1 heterozygote.
Comment: This study involves interpretation of variants in research participants for the purpose of population health screening. Participant phenotype was not available at the time of variant classification. Additional details can be found in publication PMID: 35346344, PMCID: PMC8962531